The following is an entry in ClinVar:

NM_004104.5(FASN):c.6398A>G (p.His2133Arg)

Gene: FASN (fatty acid synthase; minus strand). Cytogenetic location: 17q25.3.
Variant type: single nucleotide variant.
Coding change: c.6398A>G on transcript NM_004104.5 (MANE Select); coding-DNA position 6398, A replaced by G.
Protein change: p.His2133Arg; replaces histidine 2133 with arginine.
Molecular consequence: missense variant.
Genome position (GRCh38, 1-based): chr17:82,081,609, T>C on the plus strand (A>G on the coding strand, the complement: FASN is on the minus strand). VCF-style: chr17-82081609-T-C. GRCh37 (hg19) VCF-style: chr17-80039485-T-C.
Other names: short protein forms H2133R.
Identifiers: ClinVar variation 2863818 (VCV002863818.3), dbSNP rs2509829217, ClinGen allele CA401600613.

ClinVar aggregate classification (germline): Uncertain significance (1 of 4 stars; one submission).

Conditions:
Epileptic encephalopathy. Identifiers: MedGen C0543888, HP:0200134.

Submission:

Labcorp Genetics (formerly Invitae), Labcorp
Classification: Uncertain significance for Epileptic encephalopathy. Last evaluated: 2023-07-16. Review status: criteria provided, single submitter. Criteria: Invitae Variant Classification Sherloc (09022015). Collection method: clinical testing. Allele origin: germline.
Comment: This variant is not present in population databases (gnomAD no frequency). In summary, the available evidence is currently insufficient to determine the role of this variant in disease. Therefore, it has been classified as a Variant of Uncertain Significance. An algorithm developed to predict the effect of missense changes on protein structure and function (PolyPhen-2) suggests that this variant is likely to be tolerated. This variant has not been reported in the literature in individuals affected with FASN-related conditions. This sequence change replaces histidine, which is basic and polar, with arginine, which is basic and polar, at codon 2133 of the FASN protein (p.His2133Arg).